The following is an entry in ClinVar:

ClinVar aggregate classification (germline): Uncertain significance (1 of 4 stars; one submission).

Allele frequency attached by ClinVar (database versions not stated): TOPMed below 0.00001; ExAC 0.00001.
gnomAD v4.1: 1 of 1,613,818 alleles (0.000062%); highest among the groups gnomAD compares: Non-Finnish European, 0.000085%; no homozygotes.

Submission:

Ambry Genetics
Classification: Uncertain significance. Last evaluated: 2022-04-21. Review status: criteria provided, single submitter. Criteria: Ambry Variant Classification Scheme 2023. Collection method: clinical testing. Allele origin: germline.
Comment: The p.V586I variant (also known as c.1756G>A), located in coding exon 10 of the PKP4 gene, results from a G to A substitution at nucleotide position 1756. The valine at codon 586 is replaced by isoleucine, an amino acid with highly similar properties. This amino acid position is conserved. In addition, the in silico prediction for this alteration is inconclusive. Since supporting evidence is limited at this time, the clinical significance of this alteration remains unclear.

NM_003628.6(PKP4):c.1756G>A (p.Val586Ile)

Gene: PKP4 (plakophilin 4; plus strand). Cytogenetic location: 2q24.1.
Variant type: single nucleotide variant.
Coding change: c.1756G>A on transcript NM_003628.6 (MANE Select); coding-DNA position 1756, G replaced by A.
Protein change: p.Val586Ile; replaces valine 586 with isoleucine.
Molecular consequence: missense variant.
Genome position (GRCh38, 1-based): chr2:158,642,546, G>A. VCF-style: chr2-158642546-G-A. GRCh37 (hg19) VCF-style: chr2-159499058-G-A.
Other names: c.1756G>A, p.Val586Ile (NM_001005476.4, NM_001304971.2, NM_001377218.1 and 1 more transcripts); c.1753G>A, p.Val585Ile (NM_001304969.3, NM_001377219.1, NM_001377220.1 and 2 more transcripts); c.727G>A, p.Val243Ile (NM_001304970.3); c.1750G>A, p.Val584Ile (NM_001377222.1, NM_001377223.1); c.1747G>A, p.Val583Ile (NM_001377224.1); short protein forms V584I, V585I, V243I, V586I, V583I.
Identifiers: ClinVar variation 1779476 (VCV001779476.2), dbSNP rs769822278, ClinGen allele CA1920801.
Genomic context (GRCh38, chr2:158,642,546, plus strand): 5'-GTGTGTAGGTTAGGGGGAATCAAGCATCTGGTTGACCTTCTGGACCACAGAGTTTTGGAA[G>A]TTCAGAAGAATGCTTGTGGTGCCCTTCGAAACCTCGTTTTTGGCAAGTCTACAGATGAAA-3'
Protein context (NP_003619.2, residues 576-596): VDLLDHRVLE[Val586Ile]QKNACGALRN